The following is an entry in ClinVar:

NM_032888.4(COL27A1):c.4939-7G>A

Gene: COL27A1 (collagen type XXVII alpha 1 chain; plus strand). Cytogenetic location: 9q32.
Variant type: single nucleotide variant.
Coding change: c.4939-7G>A on transcript NM_032888.4 (MANE Select); 7 bases into the intron before coding-DNA position 4939, G replaced by A.
Molecular consequence: intron variant.
Genome position (GRCh38, 1-based): chr9:114,306,513, G>A. VCF-style: chr9-114306513-G-A. GRCh37 (hg19) VCF-style: chr9-117068793-G-A.
Other names: c.4939-7G>A (NM_032888.3).
Identifiers: ClinVar variation 1096980 (VCV001096980.12), dbSNP rs369108345, ClinGen allele CA5203243.
Genomic context (GRCh38, chr9:114,306,513, plus strand): 5'-TGGAGGCTTGAACCCCAGGCTGGACCAGGACCCTAAGGTCCCAATGACCACCCTCTCCTC[G>A]TGACAGAGTTACAGCTATCCAGACCGGCTGGTGCTGGACCAGGGAGGAGAGATCTTTAAA-3'

ClinVar aggregate classification (germline): Likely benign. Review status: criteria provided, multiple submitters, no conflicts (2 of 4 stars). 3 submissions from 3 submitters: Likely benign (2). 1 of the submissions does not count toward it. Last evaluated 2025-10-06.

Conditions:
COL27A1-related disorder. Also called: COL27A1-related condition.

Allele frequency attached by ClinVar (database versions not stated): gnomAD exomes 0.00006; ExAC 0.00007; ESP Exome Variant Server 0.00015; TOPMed 0.00016; gnomAD 0.00021.
gnomAD v4.1: 136 of 1,613,634 alleles (0.0084%); highest among the groups gnomAD compares: African/African-American, 0.037%; no homozygotes.

Submissions (3):

Labcorp Genetics (formerly Invitae), Labcorp
Classification: Likely benign. Last evaluated: 2025-10-06. Review status: criteria provided, single submitter. Criteria: Invitae Variant Classification Sherloc (09022015). Collection method: clinical testing. Allele origin: germline.

Blueprint Genetics
Classification: Likely benign. Last evaluated: 2022-07-28. Review status: criteria provided, single submitter. Criteria: ACMG Guidelines, 2015. Collection method: clinical testing. Allele origin: germline.

PreventionGenetics, part of Exact Sciences
Classification: Likely benign for COL27A1-related condition. Last evaluated: 2019-07-25. Review status: no assertion criteria provided. Collection method: clinical testing. Allele origin: germline. Not counted in ClinVar's aggregate classification.
Comment: This variant is classified as likely benign based on ACMG/AMP sequence variant interpretation guidelines (Richards et al. 2015 PMID: 25741868, with internal and published modifications).